The following is an entry in ClinVar:

ClinVar aggregate classification (germline): Uncertain significance. Review status: criteria provided, multiple submitters, no conflicts (2 of 4 stars). 2 submissions from 2 submitters: Uncertain significance (2). Last evaluated 2025-08-08.

Conditions:
Inborn genetic diseases. Identifiers: MedGen C0950123, MeSH D030342.
Progressive encephalopathy with leukodystrophy due to DECR deficiency. Identifiers: Orphanet 431361, MedGen C1857252, MONDO:0014464, OMIM 616034.

Allele frequency attached by ClinVar (database versions not stated): TOPMed below 0.00001; gnomAD 0.00001; gnomAD exomes 0.00003; ExAC 0.00020.
gnomAD v4.1: 38 of 1,558,168 alleles (0.0024%); highest among the groups gnomAD compares: South Asian, 0.041%; 1 homozygote.

Submissions (2):

Ambry Genetics
Classification: Uncertain significance for Inborn genetic diseases. Last evaluated: 2025-08-08. Review status: criteria provided, single submitter. Criteria: Ambry Variant Classification Scheme 2023. Collection method: clinical testing. Allele origin: germline.

Labcorp Genetics (formerly Invitae), Labcorp
Classification: Uncertain significance for Progressive encephalopathy with leukodystrophy due to DECR deficiency. Last evaluated: 2022-04-01. Review status: criteria provided, single submitter. Criteria: Invitae Variant Classification Sherloc (09022015). Collection method: clinical testing. Allele origin: germline.
Comment: This sequence change replaces tyrosine, which is neutral and polar, with cysteine, which is neutral and slightly polar, at codon 80 of the NADK2 protein (p.Tyr80Cys). This variant is present in population databases (rs753695448, gnomAD 0.05%). This variant has not been reported in the literature in individuals affected with NADK2-related conditions. Algorithms developed to predict the effect of missense changes on protein structure and function are either unavailable or do not agree on the potential impact of this missense change (SIFT: "Deleterious"; PolyPhen-2: "Probably Damaging"; Align-GVGD: "Class C0"). Algorithms developed to predict the effect of sequence changes on RNA splicing suggest that this variant may disrupt the consensus splice site. In summary, the available evidence is currently insufficient to determine the role of this variant in disease. Therefore, it has been classified as a Variant of Uncertain Significance.

NM_001085411.3(NADK2):c.239A>G (p.Tyr80Cys)

Genes: NADK2 (NAD kinase 2, mitochondrial; minus strand), LOC129993801 (ATAC-STARR-seq lymphoblastoid silent region 15972; plus strand). Cytogenetic location: 5p13.2.
Variant type: single nucleotide variant.
Coding change: c.239A>G on transcript NM_001085411.3 (MANE Select); coding-DNA position 239, A replaced by G.
Protein change: p.Tyr80Cys; replaces tyrosine 80 with cysteine.
Molecular consequence: missense variant. On other transcripts: intron variant (2).
Genome position (GRCh38, 1-based): chr5:36,241,560, T>C on the plus strand (A>G on the coding strand, the complement: NADK2 is on the minus strand). VCF-style: chr5-36241560-T-C. GRCh37 (hg19) VCF-style: chr5-36241662-T-C.
Other names: c.239A>G (NM_001085411.1); c.-190+536A>G (NM_153013.5, NM_001287341.2); short protein forms Y80C.
Identifiers: ClinVar variation 2084959 (VCV002084959.5), dbSNP rs753695448, ClinGen allele CA3234796.
Genomic context (GRCh38, chr5:36,241,560, plus strand): 5'-AGCTGCTTCAGGTCCTCCTCCGAGAGCTCCGCGTAACGGTACCGCTGCTGCTCGAACTCG[T>C]ACCGGGTGGTTTTGGCCACCACCACCACCCGGGAGGGGCGGAAGCCGCCGTCCGCGCGGC-3'
Protein context (NP_001078880.1, residues 70-90): RVVVVAKTTR[Tyr80Cys]EFEQQRYRYA